The following is an entry in ClinVar:

ClinVar aggregate classification (germline): Benign/Likely benign. Review status: criteria provided, multiple submitters, no conflicts (2 of 4 stars). 7 submissions from 7 submitters: Benign (3); Likely benign (4). Last evaluated 2026-09-01.

Conditions:
Inborn genetic diseases. Identifiers: MedGen C0950123, MeSH D030342.
KBG syndrome (KBGS). Also called: ANKRD11-Related KBG Syndrome. Identifiers: Orphanet 2332, MedGen C0220687, MONDO:0007846, OMIM 148050.

Allele frequency attached by ClinVar (database versions not stated): 1000 Genomes Project 0.00040; 1000 Genomes Project 30x 0.00062; gnomAD exomes 0.00070; gnomAD 0.00097; ExAC 0.00499.
gnomAD v4.1: 1,405 of 1,433,060 alleles (0.098%); highest among the groups gnomAD compares: Admixed American, 0.16%; 2 homozygotes.

Submissions (7):

CeGaT Center for Human Genetics Tuebingen
Classification: Likely benign. Last evaluated: 2026-09-01. Review status: criteria provided, single submitter. Criteria: CeGaT Center For Human Genetics Tuebingen Variant Classification Criteria Version 2. Collection method: clinical testing. Allele origin: germline. Affected: yes. Observed: 9 variant alleles.
Comment: ANKRD11: BP4, BP7, BS1

Labcorp Genetics (formerly Invitae), Labcorp
Classification: Likely benign for KBG syndrome. Last evaluated: 2026-01-26. Review status: criteria provided, single submitter. Criteria: Invitae Variant Classification Sherloc (09022015). Collection method: clinical testing. Allele origin: germline.

Laboratory of Genetics, Children's Clinical University Hospital Latvia
Classification: Benign. Last evaluated: 2025-02-16. Review status: criteria provided, single submitter. Criteria: ACMG Guidelines, 2015. Collection method: clinical testing. Allele origin: germline. Affected: yes.

Blueprint Genetics
Classification: Likely benign. Last evaluated: 2024-11-05. Review status: criteria provided, single submitter. Criteria: ACMG Guidelines, 2015. Collection method: clinical testing. Allele origin: germline.

Genome-Nilou Lab
Classification: Benign for KBG syndrome. Last evaluated: 2021-12-05. Review status: criteria provided, single submitter. Criteria: ACMG Guidelines, 2015. Collection method: clinical testing. Allele origin: germline. Affected: no.

GeneDx
Classification: Benign. Last evaluated: 2019-01-25. Review status: criteria provided, single submitter. Criteria: GeneDx Variant Classification Process June 2021. Collection method: clinical testing. Allele origin: germline. Affected: yes.

Ambry Genetics
Classification: Likely benign for Inborn genetic diseases. Last evaluated: 2017-08-02. Review status: criteria provided, single submitter. Criteria: Ambry Variant Classification Scheme 2023. Collection method: clinical testing. Allele origin: germline.

NM_013275.6(ANKRD11):c.6978C>T (p.Ala2326=)

Gene: ANKRD11 (ankyrin repeat domain 11; minus strand). Cytogenetic location: 16q24.3.
Variant type: single nucleotide variant.
Coding change: c.6978C>T on transcript NM_013275.6 (MANE Select); coding-DNA position 6978, C replaced by T.
Protein change: p.Ala2326=; no amino-acid change (alanine 2326 retained).
Molecular consequence: synonymous variant.
Genome position (GRCh38, 1-based): chr16:89,279,564, G>A on the plus strand (C>T on the coding strand, the complement: ANKRD11 is on the minus strand). VCF-style: chr16-89279564-G-A. GRCh37 (hg19) VCF-style: chr16-89345972-G-A.
Other names: c.6978C>T (NM_013275.4); c.6978C>T, p.Ala2326= (NM_001256182.2, NM_001256183.2).
Identifiers: ClinVar variation 706452 (VCV000706452.41), dbSNP rs558301893, ClinGen allele CA8241307.